The following is an entry in ClinVar:

NC_000012.12:g.121626749C>T

Genes: ORAI1 (ORAI calcium release-activated calcium modulator 1; plus strand), LOC130008987 (ATAC-STARR-seq lymphoblastoid silent region 4981; plus strand). Cytogenetic location: 12q24.31.
Variant type: single nucleotide variant.
Genome position: GRCh38 VCF-style: chr12-121626749-C-T. GRCh37 (hg19) VCF-style: chr12-122064654-C-T.
Other names: c.7C>T, p.Pro3Ser (NM_032790.4); short protein forms P3S.
Identifiers: ClinVar variation 662981 (VCV000662981.7), dbSNP rs1594204339, ClinGen allele CA386980251.

ClinVar aggregate classification (germline): Uncertain significance (1 of 4 stars; one submission).

Conditions:
Myopathy, tubular aggregate, 2 (TAM2). Identifiers: MedGen C4014557, MONDO:0014383, OMIM 615883.
Combined immunodeficiency due to ORAI1 deficiency. Also called: IMMUNODEFICIENCY 9. Identifiers: Orphanet 169090, Orphanet 317428, MedGen C2748568, MONDO:0013007, OMIM 612782.

Allele frequency attached by ClinVar (database versions not stated): gnomAD exomes below 0.00001.

Submission:

Labcorp Genetics (formerly Invitae), Labcorp
Classification: Uncertain significance for Myopathy, tubular aggregate, 2; Combined immunodeficiency due to ORAI1 deficiency. Last evaluated: 2018-08-09. Review status: criteria provided, single submitter. Criteria: Invitae Variant Classification Sherloc (09022015). Collection method: clinical testing. Allele origin: germline.
Comment: In summary, the available evidence is currently insufficient to determine the role of this variant in disease. Therefore, it has been classified as a Variant of Uncertain Significance. Algorithms developed to predict the effect of missense changes on protein structure and function are either unavailable or do not agree on the potential impact of this missense change (SIFT: "Deleterious"; PolyPhen-2: "Not Available"; Align-GVGD: "Class C0"). This variant has not been reported in the literature in individuals with ORAI1-related disease. While this variant is not present in population databases, the frequency information is unreliable, as metrics indicate poor data quality at this position in the ExAC database. This sequence change replaces proline with serine at codon 3 of the ORAI1 protein (p.Pro3Ser). The proline residue is weakly conserved and there is a moderate physicochemical difference between proline and serine.